The following is an entry in ClinVar:

ClinVar aggregate classification (germline): Uncertain significance (1 of 4 stars; one submission).

Allele frequency attached by ClinVar (database versions not stated): gnomAD exomes below 0.00001.

Submission:

Labcorp Genetics (formerly Invitae), Labcorp
Classification: Uncertain significance. Last evaluated: 2021-11-22. Review status: criteria provided, single submitter. Criteria: Invitae Variant Classification Sherloc (09022015). Collection method: clinical testing. Allele origin: germline.
Comment: This sequence change replaces proline, which is neutral and non-polar, with leucine, which is neutral and non-polar, at codon 358 of the MOCS3 protein (p.Pro358Leu). This variant is not present in population databases (gnomAD no frequency). This variant has not been reported in the literature in individuals affected with MOCS3-related conditions. Algorithms developed to predict the effect of missense changes on protein structure and function are either unavailable or do not agree on the potential impact of this missense change (SIFT: "Deleterious"; PolyPhen-2: "Possibly Damaging"; Align-GVGD: "Class C0"). In summary, the available evidence is currently insufficient to determine the role of this variant in disease. Therefore, it has been classified as a Variant of Uncertain Significance.

NM_014484.5(MOCS3):c.1073C>T (p.Pro358Leu)

Gene: MOCS3 (molybdenum cofactor synthesis 3; plus strand). Cytogenetic location: 20q13.13.
Variant type: single nucleotide variant.
Coding change: c.1073C>T on transcript NM_014484.5 (MANE Select); coding-DNA position 1073, C replaced by T.
Protein change: p.Pro358Leu; replaces proline 358 with leucine.
Molecular consequence: missense variant.
Genome position (GRCh38, 1-based): chr20:50,959,915, C>T. VCF-style: chr20-50959915-C-T. GRCh37 (hg19) VCF-style: chr20-49576452-C-T.
Other names: short protein forms P358L.
Identifiers: ClinVar variation 1409453 (VCV001409453.6), dbSNP rs2123161029, ClinGen allele CA408986337.
Genomic context (GRCh38, chr20:50,959,915, plus strand): 5'-TCACCGACTATAAGCGACTGCTGGATTCTGGGGCATTCCACCTGTTGCTGGACGTCAGGC[C>T]TCAGGTGGAGGTGGACATTTGTCGTTTGCCTCATGCCCTACACATCCCTCTGAAACATTT-3'
Protein context (NP_055299.1, residues 348-368): GAFHLLLDVR[Pro358Leu]QVEVDICRLP